The following is an entry in ClinVar:

ClinVar aggregate classification (germline): Uncertain significance (1 of 4 stars; one submission).

Conditions:
Gastrointestinal stromal tumor. Also called: Gastrointestinal stromal tumor, somatic; Gastrointestinal stroma tumor. Identifiers: Orphanet 44890, MedGen C0238198, MeSH D046152, MONDO:0011719, OMIM 606764, HP:0100723.

Submission:

Labcorp Genetics (formerly Invitae), Labcorp
Classification: Uncertain significance for Gastrointestinal stromal tumor. Last evaluated: 2023-06-14. Review status: criteria provided, single submitter. Criteria: Invitae Variant Classification Sherloc (09022015). Collection method: clinical testing. Allele origin: germline.
Comment: This sequence change replaces serine, which is neutral and polar, with glycine, which is neutral and non-polar, at codon 1041 of the PDGFRA protein (p.Ser1041Gly). This variant is not present in population databases (gnomAD no frequency). This variant has not been reported in the literature in individuals affected with PDGFRA-related conditions. An algorithm developed to predict the effect of missense changes on protein structure and function (PolyPhen-2) suggests that this variant is likely to be tolerated. Algorithms developed to predict the effect of sequence changes on RNA splicing suggest that this variant may disrupt the consensus splice site. In summary, the available evidence is currently insufficient to determine the role of this variant in disease. Therefore, it has been classified as a Variant of Uncertain Significance.

NM_006206.6(PDGFRA):c.3121A>G (p.Ser1041Gly)

Gene: PDGFRA (platelet derived growth factor receptor alpha; plus strand). Cytogenetic location: 4q12.
Variant type: single nucleotide variant.
Coding change: c.3121A>G on transcript NM_006206.6 (MANE Select); coding-DNA position 3121, A replaced by G.
Protein change: p.Ser1041Gly; replaces serine 1041 with glycine.
Molecular consequence: missense variant.
Genome position (GRCh38, 1-based): chr4:54,290,553, A>G. VCF-style: chr4-54290553-A-G. GRCh37 (hg19) VCF-style: chr4-55156720-A-G.
Other names: c.3196A>G, p.Ser1066Gly (NM_001347828.2); c.3121A>G, p.Ser1041Gly (NM_001347829.2); c.3160A>G, p.Ser1054Gly (NM_001347830.2); short protein forms S1054G, S1041G, S1066G.
Identifiers: ClinVar variation 2714937 (VCV002714937.3), dbSNP rs2475567161, ClinGen allele CA356896422.